The following is an entry in ClinVar:

NM_004963.4(GUCY2C):c.711G>A (p.Met237Ile)

Genes: GUCY2C (guanylate cyclase 2C; minus strand), GUCY2C-AS1 (GUCY2C antisense RNA 1; plus strand). Cytogenetic location: 12p12.3.
Variant type: single nucleotide variant.
Coding change: c.711G>A on transcript NM_004963.4 (MANE Select); coding-DNA position 711, G replaced by A.
Protein change: p.Met237Ile; replaces methionine 237 with isoleucine.
Molecular consequence: missense variant.
Genome position (GRCh38, 1-based): chr12:14,681,378, C>T on the plus strand (G>A on the coding strand, the complement: GUCY2C is on the minus strand). VCF-style: chr12-14681378-C-T. GRCh37 (hg19) VCF-style: chr12-14834312-C-T.
Other names: short protein forms M237I.
Identifiers: ClinVar variation 2193238 (VCV002193238.4), dbSNP rs2497795587, ClinGen allele CA384005820.

ClinVar aggregate classification (germline): Uncertain significance (1 of 4 stars; one submission).

gnomAD v4.1: 1 of 1,612,718 alleles (0.000062%); no homozygotes.

Submission:

Labcorp Genetics (formerly Invitae), Labcorp
Classification: Uncertain significance. Last evaluated: 2022-03-04. Review status: criteria provided, single submitter. Criteria: Invitae Variant Classification Sherloc (09022015). Collection method: clinical testing. Allele origin: germline.
Comment: Algorithms developed to predict the effect of missense changes on protein structure and function output the following: SIFT: "Tolerated"; PolyPhen-2: "Benign"; Align-GVGD: "Class C0". The isoleucine amino acid residue is found in multiple mammalian species, which suggests that this missense change does not adversely affect protein function. In summary, the available evidence is currently insufficient to determine the role of this variant in disease. Therefore, it has been classified as a Variant of Uncertain Significance. This variant has not been reported in the literature in individuals affected with GUCY2C-related conditions. This sequence change replaces methionine, which is neutral and non-polar, with isoleucine, which is neutral and non-polar, at codon 237 of the GUCY2C protein (p.Met237Ile). This variant is not present in population databases (gnomAD no frequency).